The following is an entry in ClinVar:

ClinVar aggregate classification (germline): Conflicting classifications of pathogenicity. Review status: criteria provided, conflicting classifications (1 of 4 stars). 5 submissions from 5 submitters: Uncertain significance (3); Likely benign (1). 1 of the submissions does not count toward it. Last evaluated 2025-12-09.

Conditions:
PCLO-related disorder. Also called: PCLO-related condition.
Pontocerebellar hypoplasia type 3 (PCH3). Also called: CEREBELLAR ATROPHY WITH PROGRESSIVE MICROCEPHALY; PCH WITH OPTIC ATROPHY. Identifiers: Orphanet 97249, MedGen C1842687, MONDO:0011948, OMIM 608027.

Allele frequency attached by ClinVar (database versions not stated): ESP Exome Variant Server 0.00073; 1000 Genomes Project 30x 0.00078; 1000 Genomes Project 0.00080; TOPMed 0.00080.
gnomAD v4.1: 205 of 1,613,934 alleles (0.013%); highest among the groups gnomAD compares: African/African-American, 0.26%; no homozygotes.

Submissions (5):

Labcorp Genetics (formerly Invitae), Labcorp
Classification: Likely benign. Last evaluated: 2025-12-09. Review status: criteria provided, single submitter. Criteria: Invitae Variant Classification Sherloc (09022015). Collection method: clinical testing. Allele origin: germline.

GeneDx
Classification: Uncertain significance. Last evaluated: 2025-11-27. Review status: criteria provided, single submitter. Criteria: GeneDx Variant Classification Process June 2021. Collection method: clinical testing. Allele origin: germline.
Comment: In silico analysis supports that this missense variant has a deleterious effect on protein structure/function; Has not been previously published as pathogenic or benign to our knowledge

Women's Health and Genetics/Laboratory Corporation of America, LabCorp
Classification: Uncertain significance. Last evaluated: 2023-02-03. Review status: criteria provided, single submitter. Criteria: LabCorp Variant Classification Summary - May 2015. Collection method: clinical testing. Allele origin: germline.
Comment: Variant summary: PCLO c.6532C>T (p.Pro2178Ser) results in a non-conservative amino acid change in the encoded protein sequence. Three of five in-silico tools predict a benign effect of the variant on protein function. The variant allele was found at a frequency of 0.00022 in 248954 control chromosomes (gnomAD), predominantly at a frequency of 0.0034 within the African or African-American subpopulation in the gnomAD database. To our knowledge, no occurrence of c.6532C>T in individuals affected with Pontocerebellar Hypoplasia Type 3 and no experimental evidence demonstrating its impact on protein function have been reported. Two ClinVar submitters have assessed the variant since 2014: one classified the variant as likely benign, and one classified the variant as uncertain significance. Based on the evidence outlined above, the variant was classified as uncertain significance.

Baylor Genetics
Classification: Uncertain significance for Pontocerebellar hypoplasia type 3. Last evaluated: 2018-06-11. Review status: criteria provided, single submitter. Criteria: ACMG Guidelines, 2015. Collection method: clinical testing. Allele origin: maternal. Affected: yes.
Comment: This variant was determined to be of uncertain significance according to ACMG Guidelines, 2015 [PMID:25741868].

PreventionGenetics, part of Exact Sciences
Classification: Likely benign for PCLO-related condition. Last evaluated: 2022-11-29. Review status: no assertion criteria provided. Collection method: clinical testing. Allele origin: germline. Not counted in ClinVar's aggregate classification.
Comment: This variant is classified as likely benign based on ACMG/AMP sequence variant interpretation guidelines (Richards et al. 2015 PMID: 25741868, with internal and published modifications).

NM_033026.6(PCLO):c.6532C>T (p.Pro2178Ser)

Gene: PCLO (piccolo presynaptic cytomatrix protein; minus strand). Cytogenetic location: 7q21.11.
Variant type: single nucleotide variant.
Coding change: c.6532C>T on transcript NM_033026.6 (MANE Select); coding-DNA position 6532, C replaced by T.
Protein change: p.Pro2178Ser; replaces proline 2178 with serine.
Molecular consequence: missense variant.
Genome position (GRCh38, 1-based): chr7:82,954,421, G>A on the plus strand (C>T on the coding strand, the complement: PCLO is on the minus strand). VCF-style: chr7-82954421-G-A. GRCh37 (hg19) VCF-style: chr7-82583737-G-A.
Other names: c.6532C>T, p.Pro2178Ser (NM_014510.3); short protein forms P2178S.
Identifiers: ClinVar variation 1032313 (VCV001032313.13), dbSNP rs201432429, ClinGen allele CA4320450.